The following is an entry in ClinVar:

ClinVar aggregate classification (germline): Benign (1 of 4 stars; one submission).

Conditions:
Leigh syndrome (NULS). Also called: Leigh's necrotizing encephalopathy; Leigh's disease; Leigh Syndrome (mtDNA deletion); Leigh Disease; Subacute necrotizing encephalopathy; Necrotizing encephalopathy infantile subacute of Leigh. Identifiers: Orphanet 506, MedGen C2931891, MONDO:0009723, OMIM 256000.

Submission:

Wong Mito Lab, Molecular and Human Genetics, Baylor College of Medicine
Classification: Benign for Leigh syndrome. Last evaluated: 2019-10-17. Review status: criteria provided, single submitter. Criteria: Modified ACMG Guidelines (Unpublished). Collection method: clinical testing. Allele origin: germline.
Comment: The NC_012920.1:m.7859G>A (YP_003024029.1:p.Asp92Asn) variant in MTCO2 gene is interpretated to be a Benign variant based on the modified ACMG guidelines (unpublished). This variant meets the following evidence codes: BS1, BS2

NC_012920.1(MT-CO2):m.7859G>A

Gene: MT-CO2 (mitochondrially encoded cytochrome c oxidase II; plus strand).
Variant type: single nucleotide variant.
Genome position: chrM-7859-G-A.
Identifiers: ClinVar variation 692790 (VCV000692790.1), dbSNP rs373105186, ClinGen allele CA337097713.